The following is an entry in ClinVar:

ClinVar aggregate classification (germline): Pathogenic/Likely pathogenic. Review status: criteria provided, multiple submitters, no conflicts (2 of 4 stars). 4 submissions from 4 submitters: Pathogenic (2); Likely pathogenic (2). Last evaluated 2026-03-10.

Conditions:
Hypophosphatemic rickets. Identifiers: MedGen C1704375, MeSH D063730, MONDO:0024300, HP:0004912.
Familial X-linked hypophosphatemic vitamin D refractory rickets (XLHRD). Also called: X-Linked Hypophosphatemia; Hypophosphatemia, vitamin D-resistant rickets; Vitamin D-resistant rickets, X-linked; Hypophosphatemic Rickets, X-Linked Dominant; HYPOPHOSPHATEMIC VITAMIN D-RESISTANT RICKETS. Identifiers: Orphanet 89936, MedGen C0733682, MONDO:0010619, OMIM 307800.

Submissions (4):

Clinical Biomedical Laboratory, Shriners Hospital For Children - Canada
Classification: Likely pathogenic for Familial X-linked hypophosphatemic vitamin D refractory rickets. Last evaluated: 2026-03-10. Review status: criteria provided, single submitter. Criteria: ACMG Guidelines, 2015. Collection method: clinical testing. Allele origin: germline. Affected: yes.
Comment: In the Genome Aggregation Database (gnomAD v2.1.1) this variant is not present. Computational tools (REVEL 0.92) suggest that the amino acid change is damaging to protein function. This specific variant has been reported in the literature as a cause of hypophosphatemic rickets (PMID: 19219621). Based on the ACMG variant interpretation guidelines, the available evidence supports classification of this variant as likely pathogenic.

3billion
Classification: Likely pathogenic for Familial X-linked hypophosphatemic vitamin D refractory rickets. Last evaluated: 2023-08-13. Review status: criteria provided, single submitter. Criteria: ACMG Guidelines, 2015. Collection method: clinical testing. Allele origin: germline. Affected: yes.
Comment: The variant is not observed in the gnomAD v2.1.1 dataset. Predicted Consequence/Location: Missense variant In silico tool predictions suggest damaging effect of the variant on gene or gene product [REVEL: 0.92 (>=0.6, sensitivity 0.68 and specificity 0.92); 3Cnet: 0.99 (>=0.6, sensitivity 0.72 and precision 0.9)]. Same nucleotide change resulting in same amino acid change has been previously reported as pathogenic/likely pathogenic with strong evidence (ClinVar ID: VCV001343090 /PMID: 19219621). The variant has been previously reported as assumed (i.e. paternity and maternity not confirmed) de novo in at least one similarly affected unrelated individual (PMID: 29707405). Different missense changes at the same codon (p.Tyr657Asn, p.Tyr657His) have been reported as pathogenic/likely pathogenic with strong evidence (ClinVar ID: VCV001515427, VCV002169635 /PMID: 30682568). Therefore, this variant is classified as Pathogenic according to the recommendation of ACMG/AMP guideline.

Labcorp Genetics (formerly Invitae), Labcorp
Classification: Pathogenic. Last evaluated: 2022-11-22. Review status: criteria provided, single submitter. Criteria: Invitae Variant Classification Sherloc (09022015). Collection method: clinical testing. Allele origin: germline.
Comment: For these reasons, this variant has been classified as Pathogenic. This variant disrupts the p.Tyr657 amino acid residue in PHEX. Other variant(s) that disrupt this residue have been determined to be pathogenic (Invitae). This suggests that this residue is clinically significant, and that variants that disrupt this residue are likely to be disease-causing. Advanced modeling of protein sequence and biophysical properties (such as structural, functional, and spatial information, amino acid conservation, physicochemical variation, residue mobility, and thermodynamic stability) performed at Invitae indicates that this missense variant is expected to disrupt PHEX protein function. ClinVar contains an entry for this variant (Variation ID: 1343090). This missense change has been observed in individual(s) with hypophosphatemic rickets (PMID: 19219621, 29707405). In at least one individual the variant was observed to be de novo. This variant is not present in population databases (gnomAD no frequency). This sequence change replaces tyrosine, which is neutral and polar, with cysteine, which is neutral and slightly polar, at codon 657 of the PHEX protein (p.Tyr657Cys).

Laboratory of Cyto-molecular Genetics, Department of Anatomy, All India Institute of Medical Sciences (AIIMS), New Delhi
Classification: Pathogenic for Hypophosphatemic rickets. Last evaluated: 2022-03-07. Review status: criteria provided, single submitter. Criteria: ACMG Guidelines, 2015. Collection method: clinical testing. Allele origin: de novo. Affected: yes. Observed: 1 variant allele.
Comment: p.(Tyr657Cys); missense variant

Literature cited by the submitters: PubMed 19219621 (cited by 3 submitters); PubMed 30682568 (cited by 3billion); PubMed 29707405 (cited by Labcorp Genetics (formerly Invitae), Labcorp); PubMed 35738466 (cited by Laboratory of Cyto-molecular Genetics, Department of Anatomy, All India Institute of Medical Sciences (AIIMS), New Delhi).

NM_000444.6(PHEX):c.1970A>G (p.Tyr657Cys)

Genes: PHEX (phosphate regulating endopeptidase X-linked; plus strand), PTCHD1-AS (PTCHD1 and PHEX antisense RNA; minus strand). Cytogenetic location: Xp22.11.
Variant type: single nucleotide variant.
Coding change: c.1970A>G on transcript NM_000444.6 (MANE Select); coding-DNA position 1970, A replaced by G.
Protein change: p.Tyr657Cys; replaces tyrosine 657 with cysteine.
Molecular consequence: missense variant. On other transcripts: non-coding transcript variant (1).
Genome position (GRCh38, 1-based): chrX:22,227,511, A>G. VCF-style: chrX-22227511-A-G. GRCh37 (hg19) VCF-style: chrX-22245628-A-G.
Other names: c.1970A>G, p.Tyr657Cys (NM_001282754.2); short protein forms Y657C.
Identifiers: ClinVar variation 1343090 (VCV001343090.9), dbSNP rs2147184570, ClinGen allele CA412574290.
Genomic context (GRCh38, chrX:22,227,511, plus strand): 5'-AGCAAAGAGAAAAACCCACCGTTGCAGAGACTCATCTCTTCTTCTTCTCTCACCAGGCTT[A>G]CAGGAAATGGATAAATGACAGAAGGCAGGGACTTGAGGAGCCTCTTCTACCAGGCATCAC-3'
Protein context (NP_000435.3, residues 647-667): NGGLREAFRA[Tyr657Cys]RKWINDRRQG